The following is an entry in ClinVar:

NM_001017995.3(SH3PXD2B):c.1678A>T (p.Ile560Phe)

Gene: SH3PXD2B (SH3 and PX domains 2B; minus strand). Cytogenetic location: 5q35.1.
Variant type: single nucleotide variant.
Coding change: c.1678A>T on transcript NM_001017995.3 (MANE Select); coding-DNA position 1678, A replaced by T.
Protein change: p.Ile560Phe; replaces isoleucine 560 with phenylalanine.
Molecular consequence: missense variant. On other transcripts: intron variant (1).
Genome position (GRCh38, 1-based): chr5:172,339,427, T>A on the plus strand (A>T on the coding strand, the complement: SH3PXD2B is on the minus strand). VCF-style: chr5-172339427-T-A. GRCh37 (hg19) VCF-style: chr5-171766431-T-A.
Other names: c.1188+6709A>T (NM_001308175.2); short protein forms I560F.
Identifiers: ClinVar variation 800857 (VCV000800857.2), dbSNP rs1581259156, ClinGen allele CA362147386.
Genomic context (GRCh38, chr5:172,339,427, plus strand): 5'-GCTCTGGCCTCCTGCTGTCCCGGGCTGGAGGGATGTGTTTGGCTGGCATCATCGGCAAAA[T>A]CACGCCCGGAGGCTTGGGAGTGGGGCCCCGGAGCTGCTCCGTCCTCTGCCGCTCCCGCTC-3'
Protein context (NP_001017995.1, residues 550-570): RGPTPKPPGV[Ile560Phe]LPMMPAKHIP

ClinVar aggregate classification (germline): Uncertain significance. Review status: criteria provided, single submitter (1 of 4 stars). 2 submissions from 2 submitters: Uncertain significance (1). 1 of the submissions does not count toward it. Last evaluated 2022-11-29.

Conditions:
Frank-Ter Haar syndrome. Also called: MELNICK-NEEDLES SYNDROME, AUTOSOMAL RECESSIVE; TER HAAR SYNDROME; BORRONE DERMATOCARDIOSKELETAL SYNDROME; Borrone di Rocco Crovato syndrome. Identifiers: Orphanet 1266, Orphanet 137834, MedGen C1855305, MONDO:0009579, OMIM 249420.

Allele frequency attached by ClinVar (database versions not stated): gnomAD exomes below 0.00001.
gnomAD v4.1: 1 of 1,614,146 alleles (0.000062%); highest among the groups gnomAD compares: Middle Eastern, 0.016%; no homozygotes.

Submissions (2):

GeneDx
Classification: Uncertain significance. Last evaluated: 2022-11-29. Review status: criteria provided, single submitter. Criteria: GeneDx Variant Classification Process June 2021. Collection method: clinical testing. Allele origin: germline. Affected: yes.
Comment: Has not been previously published as pathogenic or benign to our knowledge; Not observed at significant frequency in large population cohorts (gnomAD); In silico analysis supports that this missense variant does not alter protein structure/function

Biochemical Molecular Genetic Laboratory, King Abdulaziz Medical City
Classification: Uncertain significance for Frank-Ter Haar syndrome. Last evaluated: 2019-08-25. Review status: no assertion criteria provided. Collection method: clinical testing. Allele origin: germline. Affected: yes. Not counted in ClinVar's aggregate classification.